The following is an entry in ClinVar:

ClinVar aggregate classification (germline): Uncertain significance (1 of 4 stars; one submission).

Allele frequency attached by ClinVar (database versions not stated): gnomAD exomes below 0.00001.
gnomAD v4.1: 2 of 1,613,994 alleles (0.00012%); highest among the groups gnomAD compares: Non-Finnish European, 0.00017%; no homozygotes.

Submission:

GeneDx
Classification: Uncertain significance. Last evaluated: 2019-09-19. Review status: criteria provided, single submitter. Criteria: GeneDx Variant Classification Process June 2021. Collection method: clinical testing. Allele origin: germline. Affected: yes.
Comment: Not observed in large population cohorts (Lek et al., 2016); Has not been previously published as pathogenic or benign to our knowledge; In silico analysis, which includes protein predictors and evolutionary conservation, supports that this variant does not alter protein structure/function

NM_006922.4(SCN3A):c.5254G>A (p.Val1752Ile)

Gene: SCN3A (sodium voltage-gated channel alpha subunit 3; minus strand). Cytogenetic location: 2q24.3.
Variant type: single nucleotide variant.
Coding change: c.5254G>A on transcript NM_006922.4 (MANE Select); coding-DNA position 5254, G replaced by A.
Protein change: p.Val1752Ile; replaces valine 1752 with isoleucine.
Molecular consequence: missense variant.
Genome position (GRCh38, 1-based): chr2:165,090,899, C>T on the plus strand (G>A on the coding strand, the complement: SCN3A is on the minus strand). VCF-style: chr2-165090899-C-T. GRCh37 (hg19) VCF-style: chr2-165947409-C-T.
Other names: c.5107G>A, p.Val1703Ile (NM_001081676.2, NM_001081677.2); short protein forms V1703I, V1752I.
Identifiers: ClinVar variation 1312280 (VCV001312280.2), dbSNP rs2105619881, ClinGen allele CA349016414.